The following is an entry in ClinVar:

NM_001376.5(DYNC1H1):c.56C>T (p.Ser19Leu)

Gene: DYNC1H1 (dynein cytoplasmic 1 heavy chain 1; plus strand). Cytogenetic location: 14q32.31.
Variant type: single nucleotide variant.
Coding change: c.56C>T on transcript NM_001376.5 (MANE Select); coding-DNA position 56, C replaced by T.
Protein change: p.Ser19Leu; replaces serine 19 with leucine.
Molecular consequence: missense variant.
Genome position (GRCh38, 1-based): chr14:101,964,747, C>T. VCF-style: chr14-101964747-C-T. GRCh37 (hg19) VCF-style: chr14-102431084-C-T.
Other names: short protein forms S19L.
Identifiers: ClinVar variation 3668280 (VCV003668280.2).

ClinVar aggregate classification (germline): Uncertain significance (1 of 4 stars; one submission).

Conditions:
Charcot-Marie-Tooth disease axonal type 2O. Also called: CHARCOT-MARIE-TOOTH NEUROPATHY, AXONAL, TYPE 2O; CHARCOT-MARIE-TOOTH DISEASE, AXONAL, AUTOSOMAL DOMINANT, TYPE 2O; Charcot-Marie-Tooth Neuropathy Type 2O; Charcot-Marie-Tooth disease, axonal, type 20. Identifiers: Orphanet 284232, MedGen C3280220, MONDO:0013644, OMIM 614228.

Submission:

Labcorp Genetics (formerly Invitae), Labcorp
Classification: Uncertain significance for Charcot-Marie-Tooth disease axonal type 2O. Last evaluated: 2024-11-12. Review status: criteria provided, single submitter. Criteria: Invitae Variant Classification Sherloc (09022015). Collection method: clinical testing. Allele origin: germline.
Comment: This sequence change replaces serine, which is neutral and polar, with leucine, which is neutral and non-polar, at codon 19 of the DYNC1H1 protein (p.Ser19Leu). This variant is not present in population databases (gnomAD no frequency). This missense change has been observed in individual(s) with DYNC1H1-related conditions (PMID: 35982159). Invitae Evidence Modeling of protein sequence and biophysical properties (such as structural, functional, and spatial information, amino acid conservation, physicochemical variation, residue mobility, and thermodynamic stability) indicates that this missense variant is not expected to disrupt DYNC1H1 protein function with a negative predictive value of 95%. In summary, the available evidence is currently insufficient to determine the role of this variant in disease. Therefore, it has been classified as a Variant of Uncertain Significance.

Literature cited by the submitters: PubMed 35982159.